The following is an entry in ClinVar:

ClinVar aggregate classification (germline): Uncertain significance (1 of 4 stars; one submission).

Submission:

Labcorp Genetics (formerly Invitae), Labcorp
Classification: Uncertain significance. Last evaluated: 2025-03-05. Review status: criteria provided, single submitter. Criteria: Invitae Variant Classification Sherloc (09022015). Collection method: clinical testing. Allele origin: germline.
Comment: This variant, c.4504_4506del, results in the deletion of 1 amino acid(s) of the MYO18B protein (p.Ile1502del), but otherwise preserves the integrity of the reading frame. This variant is present in population databases (no rsID available, gnomAD no frequency). This variant has not been reported in the literature in individuals affected with MYO18B-related conditions. Experimental studies and prediction algorithms are not available or were not evaluated, and the functional significance of this variant is currently unknown. In summary, the available evidence is currently insufficient to determine the role of this variant in disease. Therefore, it has been classified as a Variant of Uncertain Significance.

NM_032608.7(MYO18B):c.4504_4506del (p.Ile1502del)

Genes: MYO18B (myosin XVIIIB; plus strand), MYO18B-AS1 (MYO18B antisense RNA 1; minus strand). Cytogenetic location: 22q12.1.
Variant type: Deletion.
Coding change: c.4504_4506del on transcript NM_032608.7 (MANE Select); coding-DNA positions 4504 to 4506, 3 bases deleted (ATT; older notation c.4504_4506delATT).
Protein change: p.Ile1502del; deletes isoleucine 1502.
Molecular consequence: inframe deletion.
Genome position (GRCh38, 1-based): chr22:25,891,373-25,891,375, ATT deleted. VCF-style (leftmost placement, unchanged base first): chr22-25891372-AATT-A. GRCh37 (hg19) VCF-style: chr22-26287339-AATT-A.
Other names: c.4507_4509del, p.Ile1503del (NM_001318245.2); short protein forms I1503del, I1502del.
Identifiers: ClinVar variation 4699536 (VCV004699536.1).